The following is an entry in ClinVar:

ClinVar aggregate classification (germline): Likely benign (0 of 4 stars; one submission).

Conditions:
FSIP2-related disorder. Also called: FSIP2-related condition.

Allele frequency attached by ClinVar (database versions not stated): 1000 Genomes Project 30x 0.00031; 1000 Genomes Project 0.00040; TOPMed 0.00053; gnomAD exomes 0.00081; gnomAD 0.00102; ExAC 0.00110; ESP Exome Variant Server 0.00126.
gnomAD v4.1: 1,332 of 1,610,646 alleles (0.083%); highest among the groups gnomAD compares: Non-Finnish European, 0.078%; 2 homozygotes.

Submission:

PreventionGenetics, part of Exact Sciences
Classification: Likely benign for FSIP2-related condition. Last evaluated: 2019-10-28. Review status: no assertion criteria provided. Collection method: clinical testing. Allele origin: germline.
Comment: This variant is classified as likely benign based on ACMG/AMP sequence variant interpretation guidelines (Richards et al. 2015 PMID: 25741868, with internal and published modifications).

NM_173651.4(FSIP2):c.20658G>A (p.Lys6886=)

Gene: FSIP2 (fibrous sheath interacting protein 2; plus strand). Cytogenetic location: 2q32.1.
Variant type: single nucleotide variant.
Coding change: c.20658G>A on transcript NM_173651.4 (MANE Select); coding-DNA position 20658, G replaced by A.
Protein change: p.Lys6886=; no amino-acid change (lysine 6886 retained).
Molecular consequence: synonymous variant.
Genome position (GRCh38, 1-based): chr2:185,833,160, G>A. VCF-style: chr2-185833160-G-A. GRCh37 (hg19) VCF-style: chr2-186697887-G-A.
Identifiers: ClinVar variation 3043474 (VCV003043474.2), dbSNP rs185699295, ClinGen allele CA2017989.